The following is an entry in ClinVar:

ClinVar aggregate classification (germline): Uncertain significance (1 of 4 stars; one submission).

gnomAD v4.1: 10 of 1,606,398 alleles (0.00062%); highest among the groups gnomAD compares: African/African-American, 0.004%; no homozygotes.

Submission:

Labcorp Genetics (formerly Invitae), Labcorp
Classification: Uncertain significance. Last evaluated: 2025-06-27. Review status: criteria provided, single submitter. Criteria: Invitae Variant Classification Sherloc (09022015). Collection method: clinical testing. Allele origin: germline.
Comment: This sequence change replaces proline, which is neutral and non-polar, with leucine, which is neutral and non-polar, at codon 122 of the ADGRA3 protein (p.Pro122Leu). This variant is present in population databases (no rsID available, gnomAD 0.01%). This variant has not been reported in the literature in individuals affected with ADGRA3-related conditions. An algorithm developed to predict the effect of missense changes on protein structure and function (PolyPhen-2) suggests that this variant is likely to be disruptive. In summary, the available evidence is currently insufficient to determine the role of this variant in disease. Therefore, it has been classified as a Variant of Uncertain Significance.

NM_145290.4(ADGRA3):c.365C>T (p.Pro122Leu)

Gene: ADGRA3 (adhesion G protein-coupled receptor A3; minus strand). Cytogenetic location: 4p15.2.
Variant type: single nucleotide variant.
Coding change: c.365C>T on transcript NM_145290.4 (MANE Select); coding-DNA position 365, C replaced by T.
Protein change: p.Pro122Leu; replaces proline 122 with leucine.
Molecular consequence: missense variant.
Genome position (GRCh38, 1-based): chr4:22,461,773, G>A on the plus strand (C>T on the coding strand, the complement: ADGRA3 is on the minus strand). VCF-style: chr4-22461773-G-A. GRCh37 (hg19) VCF-style: chr4-22463396-G-A.
Other names: short protein forms P122L.
Identifiers: ClinVar variation 4778958 (VCV004778958.1).
Genomic context (GRCh38, chr4:22,461,773, plus strand): 5'-TAAGCAAGCAATTCAAACACTTACAATCTTTTTAGAGATGACAGTCCCCAGAAGGCACCT[G>A]GATCTATACTACTAATAAGATTGTTTCGGAGGTCCCTGTTAAAAATAAAATAAAAGTTAT-3'
Protein context (NP_660333.2, residues 112-132): LRNNLISSID[Pro122Leu]GAFWGLSSLK